The following is an entry in ClinVar:

NM_001130823.3(DNMT1):c.4021C>T (p.Pro1341Ser)

Gene: DNMT1 (DNA methyltransferase 1; minus strand). Cytogenetic location: 19p13.2.
Variant type: single nucleotide variant.
Coding change: c.4021C>T on transcript NM_001130823.3 (MANE Select); coding-DNA position 4021, C replaced by T.
Protein change: p.Pro1341Ser; replaces proline 1341 with serine.
Molecular consequence: missense variant.
Genome position (GRCh38, 1-based): chr19:10,138,533, G>A on the plus strand (C>T on the coding strand, the complement: DNMT1 is on the minus strand). VCF-style: chr19-10138533-G-A. GRCh37 (hg19) VCF-style: chr19-10249209-G-A.
Other names: c.3973C>T, p.Pro1325Ser (NM_001318730.2, NM_001379.4); c.3658C>T, p.Pro1220Ser (NM_001318731.2); short protein forms P1220S, P1325S, P1341S.
Identifiers: ClinVar variation 3718032 (VCV003718032.2).

ClinVar aggregate classification (germline): Uncertain significance (1 of 4 stars; one submission).

Conditions:
Hereditary sensory neuropathy-deafness-dementia syndrome. Also called: Hereditary Sensory and Autonomic Neuropathy Type 1E (HSAN1E); Hereditary sensory neuropathy type IE; NEUROPATHY, HEREDITARY SENSORY, WITH HEARING LOSS AND DEMENTIA; HSN IE. Identifiers: Orphanet 456318, MedGen C3279885, MONDO:0013584, OMIM 614116.

Submission:

Labcorp Genetics (formerly Invitae), Labcorp
Classification: Uncertain significance for Hereditary sensory neuropathy-deafness-dementia syndrome. Last evaluated: 2025-10-02. Review status: criteria provided, single submitter. Criteria: Invitae Variant Classification Sherloc (09022015). Collection method: clinical testing. Allele origin: germline.
Comment: This sequence change replaces proline, which is neutral and non-polar, with serine, which is neutral and polar, at codon 1341 of the DNMT1 protein (p.Pro1341Ser). This variant is not present in population databases (gnomAD no frequency). This variant has not been reported in the literature in individuals affected with DNMT1-related conditions. ClinVar contains an entry for this variant (Variation ID: 3718032). Invitae Evidence Modeling of protein sequence and biophysical properties (such as structural, functional, and spatial information, amino acid conservation, physicochemical variation, residue mobility, and thermodynamic stability) indicates that this missense variant is expected to disrupt DNMT1 protein function with a positive predictive value of 80%. In summary, the available evidence is currently insufficient to determine the role of this variant in disease. Therefore, it has been classified as a Variant of Uncertain Significance.